The following is an entry in ClinVar:

NM_006767.4(LZTR1):c.611C>A (p.Thr204Lys)

Gene: LZTR1 (leucine zipper like post translational regulator 1; plus strand). Cytogenetic location: 22q11.21.
Variant type: single nucleotide variant.
Coding change: c.611C>A on transcript NM_006767.4 (MANE Select); coding-DNA position 611, C replaced by A.
Protein change: p.Thr204Lys; replaces threonine 204 with lysine.
Molecular consequence: missense variant.
Genome position (GRCh38, 1-based): chr22:20,989,642, C>A. VCF-style: chr22-20989642-C-A. GRCh37 (hg19) VCF-style: chr22-21343931-C-A.
Other names: short protein forms T204K.
Identifiers: ClinVar variation 2708715 (VCV002708715.3), dbSNP rs2518614883, ClinGen allele CA410780311.
Genomic context (GRCh38, chr22:20,989,642, plus strand): 5'-ACCACCAGACCCAAGGGGTCCTCACTGGTCTGTCCTAATACAGGTTGAATGACATGTGGA[C>A]AATTGGCCTCCAGGACCGAGAGCTCACCTGCTGGGAGGAGGTGAGGGGCGTGGGGAGCCA-3'
Protein context (NP_006758.2, residues 194-214): DGNARLNDMW[Thr204Lys]IGLQDRELTC

ClinVar aggregate classification (germline): Uncertain significance (1 of 4 stars; one submission).

Submission:

Labcorp Genetics (formerly Invitae), Labcorp
Classification: Uncertain significance. Last evaluated: 2024-01-10. Review status: criteria provided, single submitter. Criteria: Invitae Variant Classification Sherloc (09022015). Collection method: clinical testing. Allele origin: germline.
Comment: This sequence change replaces threonine, which is neutral and polar, with lysine, which is basic and polar, at codon 204 of the LZTR1 protein (p.Thr204Lys). This variant is not present in population databases (gnomAD no frequency). This variant has not been reported in the literature in individuals affected with LZTR1-related conditions. Advanced modeling of protein sequence and biophysical properties (such as structural, functional, and spatial information, amino acid conservation, physicochemical variation, residue mobility, and thermodynamic stability) performed at Invitae indicates that this missense variant is not expected to disrupt LZTR1 protein function with a negative predictive value of 80%. In summary, the available evidence is currently insufficient to determine the role of this variant in disease. Therefore, it has been classified as a Variant of Uncertain Significance.